The following is an entry in ClinVar:

ClinVar aggregate classification (germline): Conflicting classifications of pathogenicity. Review status: criteria provided, conflicting classifications (1 of 4 stars). 4 submissions from 4 submitters: Likely pathogenic (3); Uncertain significance (1). Last evaluated 2024-04-19.

Conditions:
Neuronal ceroid lipofuscinosis 7 (CLN7). Also called: MFSD8-Related Neuronal Ceroid-Lipofuscinosis. Identifiers: Orphanet 168491, Orphanet 228366, MedGen C1838571, MONDO:0012588, OMIM 610951.
Macular dystrophy with central cone involvement (CCMD). Identifiers: MedGen C4015371, MONDO:0014515, OMIM 616170.
Abnormality of the nervous system. Also called: Congenital nervous system disorder. Identifiers: MedGen C0497552, MONDO:0002320, HP:0000707.
Late-infantile neuronal ceroid lipofuscinosis. Also called: Jansky-Bielschowsky disease. Identifiers: MedGen C0022340, MONDO:0015674.

Allele frequency attached by ClinVar (database versions not stated): gnomAD exomes 0.00001; TOPMed 0.00001; ExAC 0.00002; 1000 Genomes Project 30x 0.00016; 1000 Genomes Project 0.00020; gnomAD 0.00001.
gnomAD v4.1: 8 of 1,613,328 alleles (0.0005%); highest among the groups gnomAD compares: East Asian, 0.0067%; no homozygotes.

Submissions (4):

Natera, Inc.
Classification: Likely pathogenic for Late-infantile neuronal ceroid lipofuscinosis. Last evaluated: 2024-04-19. Review status: criteria provided, single submitter. Criteria: Natera Variant Classification Schema (03/2026). Collection method: clinical testing. Allele origin: germline.
Comment: The c.1351-1G>A variant in MFSD8 is a canonical splice acceptor site variant predicted to affect pre-mRNA splicing, which may result in an abnormal transcript and altered protein product. This variant is expected to result in nonsense mediated decay, truncation, or a dysfunctional protein product. This variant is rare in the general population with a frequency below the threshold expected for the associated phenotype(s). This variant has been observed in one or more individuals affected with the associated recessive disease, as either homozygous or compound heterozygous with a second variant (PMID: 39563673). Given the available evidence, this variant is classified as Likely Pathogenic.

Labcorp Genetics (formerly Invitae), Labcorp
Classification: Uncertain significance for Neuronal ceroid lipofuscinosis 7. Last evaluated: 2024-02-05. Review status: criteria provided, single submitter. Criteria: Invitae Variant Classification Sherloc (09022015). Collection method: clinical testing. Allele origin: germline.
Comment: This sequence change affects an acceptor splice site in intron 12 of the MFSD8 gene. While this variant is not anticipated to result in nonsense mediated decay, it likely alters RNA splicing and results in a disrupted protein product. This variant is present in population databases (rs565253666, gnomAD 0.01%). Disruption of this splice site has been observed in individual(s) with epilepsy (PMID: 31216804). ClinVar contains an entry for this variant (Variation ID: 1180775). Variants that disrupt the consensus splice site are a relatively common cause of aberrant splicing (PMID: 17576681, 9536098). Algorithms developed to predict the effect of sequence changes on RNA splicing suggest that this variant may disrupt the consensus splice site. In summary, the available evidence is currently insufficient to determine the role of this variant in disease. Therefore, it has been classified as a Variant of Uncertain Significance.

Kariminejad - Najmabadi Pathology & Genetics Center
Classification: Likely pathogenic for Abnormality of the nervous system. Last evaluated: 2021-07-10. Review status: criteria provided, single submitter. Criteria: ACMG Guidelines, 2015. Collection method: clinical testing. Allele origin: germline. Affected: yes.

Juno Genomics, Hangzhou Juno Genomics, Inc
Classification: Likely pathogenic for Neuronal ceroid lipofuscinosis 7; Macular dystrophy with central cone involvement. Review status: criteria provided, single submitter. Criteria: ACMG Guidelines, 2015. Collection method: clinical testing. Allele origin: germline.
Comment: Absent from controls (or at extremely low frequency if recessive) in Genome Aggregation Database.;Null variant in a gene where loss of function (LOF) is a known mechanism of disease.;For recessive disorders, detected in trans with a pathogenic variant.;Patient's phenotype or family history is highly specific for a disease with a single genetic etiology.

Literature cited by the submitters: PubMed 39563673 (cited by Natera, Inc.); PubMed 31216804 (cited by Labcorp Genetics (formerly Invitae), Labcorp); PubMed 17576681 (cited by Labcorp Genetics (formerly Invitae), Labcorp); PubMed 9536098 (cited by Labcorp Genetics (formerly Invitae), Labcorp).

NM_001371596.2(MFSD8):c.1351-1G>A

Gene: MFSD8 (major facilitator superfamily domain containing 8; minus strand). Cytogenetic location: 4q28.2.
Variant type: single nucleotide variant.
Coding change: c.1351-1G>A on transcript NM_001371596.2 (MANE Select); the canonical splice acceptor site of the intron before coding-DNA position 1351, G replaced by A.
Molecular consequence: splice acceptor variant. On other transcripts: 3 prime UTR variant (1).
Genome position (GRCh38, 1-based): chr4:127,920,837, C>T on the plus strand (G>A on the coding strand, the complement: MFSD8 is on the minus strand). VCF-style: chr4-127920837-C-T. GRCh37 (hg19) VCF-style: chr4-128841992-C-T.
Other names: c.*922G>A (NM_001410766.1); c.1069-1G>A (NM_001371595.1); c.901-1G>A (NM_001410765.1); c.1216-1G>A (NM_001371590.2); c.1351-1G>A (NM_152778.4, NM_152778.2); c.1036-1G>A (NM_001363521.3); c.1237-1G>A (NM_001371593.2); c.1150-1G>A (NM_001363520.3); and 3 more.
Identifiers: ClinVar variation 1180775 (VCV001180775.10), dbSNP rs565253666, ClinGen allele CA3077235.